The following is an entry in ClinVar:

NM_138694.4(PKHD1):c.5420del (p.Asp1807fs)

Gene: PKHD1 (PKHD1 ciliary IPT domain containing fibrocystin/polyductin; minus strand). Cytogenetic location: 6p12.2.
Variant type: Deletion.
Coding change: c.5420del on transcript NM_138694.4 (MANE Select); coding-DNA position 5420, one base deleted (A; older notation c.5420delA).
Protein change: p.Asp1807fs; shifts the reading frame from aspartic acid 1807.
Molecular consequence: frameshift variant.
Genome position (GRCh38, 1-based): chr6:52,017,590, T deleted on the plus strand (A on the coding strand, the reverse complement: PKHD1 is on the minus strand). VCF-style (leftmost placement, unchanged base first): chr6-52017589-GT-G. GRCh37 (hg19) VCF-style: chr6-51882387-GT-G.
Other names: c.5420del, p.Asp1807fs (NM_170724.3); short protein forms D1807fs.
Identifiers: ClinVar variation 2827115 (VCV002827115.3), dbSNP rs2538217218, ClinGen allele CA2739273112.

ClinVar aggregate classification (germline): Pathogenic (1 of 4 stars; one submission).

Conditions:
Autosomal recessive polycystic kidney disease (ARPKD). Also called: AR polycystic kidney disease. Identifiers: Orphanet 731, Orphanet 8378, MedGen C0085548, MeSH D017044, MONDO:0009889.

Submission:

Labcorp Genetics (formerly Invitae), Labcorp
Classification: Pathogenic for Autosomal recessive polycystic kidney disease. Last evaluated: 2023-01-08. Review status: criteria provided, single submitter. Criteria: Invitae Variant Classification Sherloc (09022015). Collection method: clinical testing. Allele origin: germline.
Comment: For these reasons, this variant has been classified as Pathogenic. This variant is not present in population databases (gnomAD no frequency). This variant has not been reported in the literature in individuals affected with PKHD1-related conditions. Algorithms developed to predict the effect of sequence changes on RNA splicing suggest that this variant may disrupt the consensus splice site. This sequence change creates a premature translational stop signal (p.Asp1807Alafs*15) in the PKHD1 gene. It is expected to result in an absent or disrupted protein product. Loss-of-function variants in PKHD1 are known to be pathogenic (PMID: 19940839).

Literature cited by the submitters: PubMed 19940839.